The following is an entry in ClinVar:

ClinVar aggregate classification (germline): Uncertain significance (1 of 4 stars; one submission).

Allele frequency attached by ClinVar (database versions not stated): gnomAD exomes below 0.00001.
gnomAD v4.1: 1 of 1,613,954 alleles (0.000062%); highest among the groups gnomAD compares: East Asian, 0.0022%; no homozygotes.

Submission:

GeneDx
Classification: Uncertain significance. Last evaluated: 2019-12-04. Review status: criteria provided, single submitter. Criteria: GeneDx Variant Classification Process June 2021. Collection method: clinical testing. Allele origin: germline. Affected: yes.
Comment: Not observed in large population cohorts (Lek et al., 2016); In silico analysis, which includes protein predictors and evolutionary conservation, supports that this variant does not alter protein structure/function

NM_000334.4(SCN4A):c.2705G>A (p.Gly902Asp)

Genes: SCN4A (sodium voltage-gated channel alpha subunit 4; minus strand), GH-LCR (growth hormone locus control region; plus strand). Cytogenetic location: 17q23.3.
Variant type: single nucleotide variant.
Coding change: c.2705G>A on transcript NM_000334.4 (MANE Select); coding-DNA position 2705, G replaced by A.
Protein change: p.Gly902Asp; replaces glycine 902 with aspartic acid.
Molecular consequence: missense variant.
Genome position (GRCh38, 1-based): chr17:63,951,572, C>T on the plus strand (G>A on the coding strand, the complement: SCN4A is on the minus strand). VCF-style: chr17-63951572-C-T. GRCh37 (hg19) VCF-style: chr17-62028932-C-T.
Other names: short protein forms G902D.
Identifiers: ClinVar variation 1304542 (VCV001304542.2), dbSNP rs2144786758, ClinGen allele CA400625581.